The following is an entry in ClinVar:

NM_014254.3(RXYLT1):c.603C>T (p.Leu201=)

Gene: RXYLT1 (ribitol xylosyltransferase 1; plus strand). Cytogenetic location: 12q14.2.
Variant type: single nucleotide variant.
Coding change: c.603C>T on transcript NM_014254.3 (MANE Select); coding-DNA position 603, C replaced by T.
Protein change: p.Leu201=; no amino-acid change (leucine 201 retained).
Molecular consequence: synonymous variant. On other transcripts: 5 prime UTR variant (1).
Genome position (GRCh38, 1-based): chr12:63,802,265, C>T. VCF-style: chr12-63802265-C-T. GRCh37 (hg19) VCF-style: chr12-64196045-C-T.
Other names: c.-178C>T (NM_001278237.2).
Identifiers: ClinVar variation 283541 (VCV000283541.17), dbSNP rs146732392, ClinGen allele CA6666135.

ClinVar aggregate classification (germline): Benign. Review status: criteria provided, multiple submitters, no conflicts (2 of 4 stars). 5 submissions from 5 submitters: Benign (5). Last evaluated 2026-02-04.

Allele frequency attached by ClinVar (database versions not stated): gnomAD 0.00076 and 0.00255; TOPMed 0.00105; ESP Exome Variant Server 0.00115; gnomAD exomes 0.00715; ExAC 0.00818; 1000 Genomes Project 0.01398; 1000 Genomes Project 30x 0.01421.
gnomAD v4.1: 6,455 of 1,614,028 alleles (0.4%); highest among the groups gnomAD compares: South Asian, 5%; 165 homozygotes.

Submissions (5):

Labcorp Genetics (formerly Invitae), Labcorp
Classification: Benign. Last evaluated: 2026-02-04. Review status: criteria provided, single submitter. Criteria: Invitae Variant Classification Sherloc (09022015). Collection method: clinical testing. Allele origin: germline.

Athena Diagnostics
Classification: Benign. Last evaluated: 2020-12-22. Review status: criteria provided, single submitter. Criteria: Athena Diagnostics criteria. Collection method: clinical testing. Allele origin: unknown.

GeneDx
Classification: Benign. Last evaluated: 2016-05-18. Review status: criteria provided, single submitter. Criteria: GeneDx Variant Classification (06012015). Collection method: clinical testing. Allele origin: germline. Affected: yes.
Comment: This variant is considered likely benign or benign based on one or more of the following criteria: it is a conservative change, it occurs at a poorly conserved position in the protein, it is predicted to be benign by multiple in silico algorithms, and/or has population frequency not consistent with disease.

Eurofins Ntd Llc (ga)
Classification: Benign. Last evaluated: 2015-09-30. Review status: criteria provided, single submitter. Criteria: EGL Classification Definitions 2015. Collection method: clinical testing. Allele origin: germline. Observed: 1 variant allele, 1 heterozygote.

Breakthrough Genomics
Classification: Benign. Review status: criteria provided, single submitter. Criteria: ACMG Guidelines, 2015. Collection method: not provided. Allele origin: germline. Inheritance: Autosomal recessive inheritance. Affected: yes.